The following is an entry in ClinVar:

NM_001963.6(EGF):c.3292-7T>C

Gene: EGF (epidermal growth factor; plus strand). Cytogenetic location: 4q25.
Variant type: single nucleotide variant.
Coding change: c.3292-7T>C on transcript NM_001963.6 (MANE Select); 7 bases into the intron before coding-DNA position 3292, T replaced by C.
Molecular consequence: intron variant.
Genome position (GRCh38, 1-based): chr4:110,008,145, T>C. VCF-style: chr4-110008145-T-C. GRCh37 (hg19) VCF-style: chr4-110929301-T-C.
Other names: c.3169-7T>C (NM_001178130.3); c.3166-7T>C (NM_001178131.3); c.2923-3057T>C (NM_001357021.2).
Identifiers: ClinVar variation 781980 (VCV000781980.44), dbSNP rs200524686, ClinGen allele CA3044247.
Genomic context (GRCh38, chr4:110,008,145, plus strand): 5'-CAATGTACGTTGAGATAATTTGTGAATTTTAACAATATCCTCTCTCCCTCCTTTTTGTTG[T>C]CTGCAGTTTGTGGTTATAAAAGAACACCAAGACCTCAAGAATGGGGGTCAACCAGTGGCT-3'

ClinVar aggregate classification (germline): Conflicting classifications of pathogenicity. Review status: criteria provided, conflicting classifications (1 of 4 stars). 5 submissions from 5 submitters: Uncertain significance (1); Likely benign (4). Last evaluated 2026-01-28.

Conditions:
EGF-related disorder. Also called: EGF-related condition.
Renal hypomagnesemia 4. Also called: HYPOMAGNESEMIA, RENAL, NORMOCALCIURIC. Identifiers: Orphanet 34527, MedGen C2673648, MONDO:0012717, OMIM 611718.

Allele frequency attached by ClinVar (database versions not stated): 1000 Genomes Project 30x 0.00078; 1000 Genomes Project 0.00080; gnomAD 0.00087 and 0.00089; ESP Exome Variant Server 0.00100; TOPMed 0.00105; gnomAD exomes 0.00115; ExAC 0.00116.
gnomAD v4.1: 2,004 of 1,613,486 alleles (0.12%); highest among the groups gnomAD compares: Middle Eastern, 0.76%; 6 homozygotes.

Submissions (5):

Labcorp Genetics (formerly Invitae), Labcorp
Classification: Likely benign. Last evaluated: 2026-01-28. Review status: criteria provided, single submitter. Criteria: Invitae Variant Classification Sherloc (09022015). Collection method: clinical testing. Allele origin: germline.

PreventionGenetics, part of Exact Sciences
Classification: Likely benign for EGF-related condition. Last evaluated: 2025-01-14. Review status: criteria provided, single submitter. Criteria: ACMG Guidelines, 2015. Collection method: clinical testing. Allele origin: germline.
Comment: This variant is classified as likely benign based on ACMG/AMP sequence variant interpretation guidelines (Richards et al. 2015 PMID: 25741868, with internal and published modifications).

Blueprint Genetics
Classification: Likely benign. Last evaluated: 2024-11-13. Review status: criteria provided, single submitter. Criteria: ACMG Guidelines, 2015. Collection method: clinical testing. Allele origin: germline.

CeGaT Center for Human Genetics Tuebingen
Classification: Likely benign. Last evaluated: 2023-08-01. Review status: criteria provided, single submitter. Criteria: CeGaT Center For Human Genetics Tuebingen Variant Classification Criteria Version 2. Collection method: clinical testing. Allele origin: germline. Affected: yes. Observed: 2 variant alleles.
Comment: EGF: BP4

Illumina Laboratory Services, Illumina
Classification: Uncertain significance for Renal hypomagnesemia 4. Last evaluated: 2018-01-13. Review status: criteria provided, single submitter. Criteria: ICSL Variant Classification Criteria 13 December 2019. Collection method: clinical testing. Allele origin: germline.